The following is an entry in ClinVar:

ClinVar aggregate classification (germline): Uncertain significance. Review status: criteria provided, multiple submitters, no conflicts (2 of 4 stars). 2 submissions from 2 submitters: Uncertain significance (2). Last evaluated 2025-08-06.

gnomAD v4.1: 12 of 1,512,352 alleles (0.00079%); highest among the groups gnomAD compares: African/African-American, 0.014%; no homozygotes.

Submissions (2):

Ambry Genetics
Classification: Uncertain significance. Last evaluated: 2025-08-06. Review status: criteria provided, single submitter. Criteria: Ambry Variant Classification Scheme 2023. Collection method: clinical testing. Allele origin: germline.

Labcorp Genetics (formerly Invitae), Labcorp
Classification: Uncertain significance. Last evaluated: 2025-07-30. Review status: criteria provided, single submitter. Criteria: Invitae Variant Classification Sherloc (09022015). Collection method: clinical testing. Allele origin: germline.
Comment: This sequence change replaces glycine, which is neutral and non-polar, with serine, which is neutral and polar, at codon 15 of the EIF2AK1 protein (p.Gly15Ser). This variant is present in population databases (no rsID available, gnomAD 0.02%). This variant has not been reported in the literature in individuals affected with EIF2AK1-related conditions. An algorithm developed to predict the effect of missense changes on protein structure and function outputs the following: PolyPhen-2: "Benign". The serine amino acid residue is found in multiple mammalian species, which suggests that this missense change does not adversely affect protein function. In summary, the available evidence is currently insufficient to determine the role of this variant in disease. Therefore, it has been classified as a Variant of Uncertain Significance.

NM_014413.4(EIF2AK1):c.43G>A (p.Gly15Ser)

Genes: EIF2AK1 (eukaryotic translation initiation factor 2 alpha kinase 1; minus strand), LOC129997920 (ATAC-STARR-seq lymphoblastoid silent region 17933; plus strand). Cytogenetic location: 7p22.1.
Variant type: single nucleotide variant.
Coding change: c.43G>A on transcript NM_014413.4 (MANE Select); coding-DNA position 43, G replaced by A.
Protein change: p.Gly15Ser; replaces glycine 15 with serine.
Molecular consequence: missense variant.
Genome position (GRCh38, 1-based): chr7:6,059,041, C>T on the plus strand (G>A on the coding strand, the complement: EIF2AK1 is on the minus strand). VCF-style: chr7-6059041-C-T. GRCh37 (hg19) VCF-style: chr7-6098672-C-T.
Other names: c.43G>A, p.Gly15Ser (NM_001134335.2); short protein forms G15S.
Identifiers: ClinVar variation 4247653 (VCV004247653.2).